The following is an entry in ClinVar:

NM_004329.3(BMPR1A):c.1061G>A (p.Gly354Glu)

Gene: BMPR1A (bone morphogenetic protein receptor type 1A; plus strand). Cytogenetic location: 10q23.2.
Variant type: single nucleotide variant.
Coding change: c.1061G>A on transcript NM_004329.3 (MANE Select); coding-DNA position 1061, G replaced by A.
Protein change: p.Gly354Glu; replaces glycine 354 with glutamic acid.
Molecular consequence: missense variant.
Genome position (GRCh38, 1-based): chr10:86,919,364, G>A. VCF-style: chr10-86919364-G-A. GRCh37 (hg19) VCF-style: chr10-88679121-G-A.
Other names: c.1061G>A, p.Gly354Glu (NM_001406562.1, NM_001406563.1, NM_001406564.1 and 19 more transcripts); c.1055G>A, p.Gly352Glu (NM_001406583.1); c.977G>A, p.Gly326Glu (NM_001406584.1, NM_001406585.1, NM_001406586.1 and 2 more transcripts); c.719G>A, p.Gly240Glu (NM_001406589.1); c.1136G>A, p.Gly379Glu (NM_001406559.1); c.1109G>A, p.Gly370Glu (NM_001406560.1); short protein forms G379E, G240E, G326E, G352E, G354E, G370E.
Identifiers: ClinVar variation 2096827 (VCV002096827.4), dbSNP rs1406950391, ClinGen allele CA377460737.
Genomic context (GRCh38, chr10:86,919,364, plus strand): 5'-TGGCTTATTCAGCTGCCTGTGGTCTGTGCCACCTGCACACAGAAATTTATGGCACCCAAG[G>A]AAAGCCCGCAATTGCTCATCGAGACCTAAAGAGCAAAAACATCCTCATCAAGAAAAATGG-3'
Protein context (NP_004320.2, residues 344-364): HLHTEIYGTQ[Gly354Glu]KPAIAHRDLK

ClinVar aggregate classification (germline): Uncertain significance (1 of 4 stars; one submission).

Conditions:
Juvenile polyposis syndrome (JPS). Identifiers: Orphanet 2929, MedGen C0345893, MONDO:0017380, OMIM 174900.

Allele frequency attached by ClinVar (database versions not stated): gnomAD exomes below 0.00001.
gnomAD v4.1: 6 of 1,613,194 alleles (0.00037%); highest among the groups gnomAD compares: Non-Finnish European, 0.00051%; no homozygotes.

Submission:

Labcorp Genetics (formerly Invitae), Labcorp
Classification: Uncertain significance for Juvenile polyposis syndrome. Last evaluated: 2022-07-25. Review status: criteria provided, single submitter. Criteria: Invitae Variant Classification Sherloc (09022015). Collection method: clinical testing. Allele origin: germline.
Comment: This sequence change replaces glycine, which is neutral and non-polar, with glutamic acid, which is acidic and polar, at codon 354 of the BMPR1A protein (p.Gly354Glu). In summary, the available evidence is currently insufficient to determine the role of this variant in disease. Therefore, it has been classified as a Variant of Uncertain Significance. Advanced modeling of protein sequence and biophysical properties (such as structural, functional, and spatial information, amino acid conservation, physicochemical variation, residue mobility, and thermodynamic stability) performed at Invitae indicates that this missense variant is expected to disrupt BMPR1A protein function. This variant has not been reported in the literature in individuals affected with BMPR1A-related conditions. This variant is not present in population databases (gnomAD no frequency).